The following is an entry in ClinVar:

NM_000261.2(MYOC):c.1107C>G (p.Phe369Leu)

Gene: MYOC (myocilin; minus strand). Cytogenetic location: 1q24.3.
Variant type: single nucleotide variant.
Coding change: c.1107C>G on transcript NM_000261.2 (MANE Select); coding-DNA position 1107, C replaced by G.
Protein change: p.Phe369Leu; replaces phenylalanine 369 with leucine.
Molecular consequence: missense variant.
Genome position (GRCh38, 1-based): chr1:171,636,333, G>C on the plus strand (C>G on the coding strand, the complement: MYOC is on the minus strand). VCF-style: chr1-171636333-G-C. GRCh37 (hg19) VCF-style: chr1-171605473-G-C.
Other names: NM_000261.2:c.1107C>G; short protein forms F369L.
Identifiers: ClinVar variation 2498112 (VCV002498112.1), dbSNP rs1652919860, ClinGen allele CA343724698.

ClinVar aggregate classification (germline): Uncertain significance (3 of 4 stars; one submission).

Conditions:
Open-angle glaucoma. Identifiers: MedGen C0017612, MONDO:0005338, HP:0012108.

Submission:

ClinGen Glaucoma Variant Curation Expert Panel
Classification: Uncertain significance for Open-angle glaucoma. Last evaluated: 2026-01-12. Review status: reviewed by expert panel. Criteria: ClinGen Glaucoma ACMG Specifications V2.0.0 Approved. Collection method: curation. Allele origin: germline. Inheritance: Autosomal dominant inheritance.
Comment: The c.1107C>G variant in MYOC is a missense variant predicted to cause substitution of Phenylalanine by Leucine at amino acid 369 (p.Phe369Leu). This variant was not found in any genetic ancestry group of gnomAD (v4.1.0), meeting the ≤ 0.0001 threshold set for PM2_Supporting in a genetic ancestry group of at least 10,000 alleles. The REVEL score = 0.825, which was within the 0.773-0.931 range for PP3_Moderate, predicting a damaging effect on MYOC function. There was no functional evidence predicting a damaging or benign impact of this variant on MYOC function. Only 2 segregations had been reported for juvenile open angle glaucoma (JOAG, PMID: 35389460), not meeting the ≥ 3 segregations required for PP1. Only 1 proband with JOAG had been reported (PMID: 35389460), not meeting the ≥ 2 probands threshold required to meet PS4_Supporting. In summary, this variant met the criteria to receive a score of 3 and to be classified as a variant of uncertain significance (uncertain significance classification range -1 to 5, adapted from PMID: 32720330) for juvenile open angle glaucoma based on the ACMG/AMP criteria met, as specified by the ClinGen Glaucoma VCEP (v2.0.0, 5 Dec 2024): PP3_Moderate, PM2_Supporting.